The following is an entry in ClinVar:

NM_018368.4(LMBRD1):c.400T>C (p.Cys134Arg)

Gene: LMBRD1 (LMBR1 domain containing 1; minus strand). Cytogenetic location: 6q13.
Variant type: single nucleotide variant.
Coding change: c.400T>C on transcript NM_018368.4 (MANE Select); coding-DNA position 400, T replaced by C.
Protein change: p.Cys134Arg; replaces cysteine 134 with arginine.
Molecular consequence: missense variant.
Genome position (GRCh38, 1-based): chr6:69,752,264, A>G on the plus strand (T>C on the coding strand, the complement: LMBRD1 is on the minus strand). VCF-style: chr6-69752264-A-G. GRCh37 (hg19) VCF-style: chr6-70462156-A-G.
Other names: c.181T>C, p.Cys61Arg (NM_001363722.2, NM_001367271.1, NM_001367272.1); short protein forms C134R, C61R.
Identifiers: ClinVar variation 657950 (VCV000657950.11), dbSNP rs1582124917, ClinGen allele CA364801998.

ClinVar aggregate classification (germline): Uncertain significance (1 of 4 stars; one submission).

Conditions:
Methylmalonic aciduria and homocystinuria type cblF. Also called: VITAMIN B12 LYSOSOMAL RELEASE DEFECT; VITAMIN B12 STORAGE DISEASE; COBALAMIN F DISEASE; COBALAMIN, DEFECT IN LYSOSOMAL RELEASE OF; METHYLMALONIC ACIDEMIA AND HOMOCYSTINURIA, cblF TYPE; METHYLMALONIC ACIDURIA DUE TO VITAMIN B12-RELEASE DEFECT. Identifiers: Orphanet 79284, MedGen C1848578, MONDO:0010183, OMIM 277380.

gnomAD v4.1: 2 of 1,608,438 alleles (0.00012%); highest among the groups gnomAD compares: Non-Finnish European, 0.00017%; no homozygotes.

Submission:

Labcorp Genetics (formerly Invitae), Labcorp
Classification: Uncertain significance for Methylmalonic aciduria and homocystinuria type cblF. Last evaluated: 2019-03-14. Review status: criteria provided, single submitter. Criteria: Invitae Variant Classification Sherloc (09022015). Collection method: clinical testing. Allele origin: germline.
Comment: This sequence change replaces cysteine with arginine at codon 134 of the LMBRD1 protein (p.Cys134Arg). The cysteine residue is highly conserved and there is a large physicochemical difference between cysteine and arginine. This variant is not present in population databases (ExAC no frequency). This variant has not been reported in the literature in individuals with LMBRD1-related disease. Algorithms developed to predict the effect of missense changes on protein structure and function are either unavailable or do not agree on the potential impact of this missense change (SIFT: "Deleterious"; PolyPhen-2: "Benign"; Align-GVGD: "Class C65"). In summary, the available evidence is currently insufficient to determine the role of this variant in disease. Therefore, it has been classified as a Variant of Uncertain Significance.